The following is an entry in ClinVar:

ClinVar aggregate classification (germline): Uncertain significance (1 of 4 stars; one submission).

Submission:

Labcorp Genetics (formerly Invitae), Labcorp
Classification: Uncertain significance. Last evaluated: 2025-03-17. Review status: criteria provided, single submitter. Criteria: Invitae Variant Classification Sherloc (09022015). Collection method: clinical testing. Allele origin: germline.
Comment: This sequence change replaces cysteine, which is neutral and slightly polar, with arginine, which is basic and polar, at codon 132 of the RAB33B protein (p.Cys132Arg). This variant is not present in population databases (gnomAD no frequency). This variant has not been reported in the literature in individuals affected with RAB33B-related conditions. ClinVar contains an entry for this variant (Variation ID: 1477762). An algorithm developed to predict the effect of missense changes on protein structure and function (PolyPhen-2) suggests that this variant is likely to be disruptive. In summary, the available evidence is currently insufficient to determine the role of this variant in disease. Therefore, it has been classified as a Variant of Uncertain Significance.

NM_031296.3(RAB33B):c.394T>C (p.Cys132Arg)

Gene: RAB33B (RAB33B, member RAS oncogene family; plus strand). Cytogenetic location: 4q31.1.
Variant type: single nucleotide variant.
Coding change: c.394T>C on transcript NM_031296.3 (MANE Select); coding-DNA position 394, T replaced by C.
Protein change: p.Cys132Arg; replaces cysteine 132 with arginine.
Molecular consequence: missense variant.
Genome position (GRCh38, 1-based): chr4:139,472,830, T>C. VCF-style: chr4-139472830-T-C. GRCh37 (hg19) VCF-style: chr4-140393984-T-C.
Other names: short protein forms C132R.
Identifiers: ClinVar variation 1477762 (VCV001477762.6), dbSNP rs2111087686, ClinGen allele CA358272844.
Genomic context (GRCh38, chr4:139,472,830, plus strand): 5'-TTCGTGTATGATATGACCAACATGGCTAGTTTTCATAGCCTACCATCTTGGATAGAAGAA[T>C]GCAAACAACATTTGCTAGCCAATGATATACCACGGATTCTTGTTGGAAATAAATGTGACT-3'
Protein context (NP_112586.1, residues 122-142): FHSLPSWIEE[Cys132Arg]KQHLLANDIP